The following is an entry in ClinVar:

NM_024741.3(ZNF408):c.488C>A (p.Pro163Gln)

Gene: ZNF408 (zinc finger protein 408; plus strand). Cytogenetic location: 11p11.2.
Variant type: single nucleotide variant.
Coding change: c.488C>A on transcript NM_024741.3 (MANE Select); coding-DNA position 488, C replaced by A.
Protein change: p.Pro163Gln; replaces proline 163 with glutamine.
Molecular consequence: missense variant.
Genome position (GRCh38, 1-based): chr11:46,703,079, C>A. VCF-style: chr11-46703079-C-A. GRCh37 (hg19) VCF-style: chr11-46724629-C-A.
Other names: c.464C>A, p.Pro155Gln (NM_001184751.2); c.488C>A (NM_024741.2); short protein forms P163Q, P155Q.
Identifiers: ClinVar variation 1519172 (VCV001519172.7), dbSNP rs2064722204, ClinGen allele CA380252355.

ClinVar aggregate classification (germline): Uncertain significance. Review status: criteria provided, multiple submitters, no conflicts (2 of 4 stars). 2 submissions from 2 submitters: Uncertain significance (2). Last evaluated 2025-10-23.

Conditions:
Inborn genetic diseases. Identifiers: MedGen C0950123, MeSH D030342.

Allele frequency attached by ClinVar (database versions not stated): TOPMed below 0.00001.

Submissions (2):

Ambry Genetics
Classification: Uncertain significance for Inborn genetic diseases. Last evaluated: 2025-10-23. Review status: criteria provided, single submitter. Criteria: Ambry Variant Classification Scheme 2023. Collection method: clinical testing. Allele origin: germline.

Labcorp Genetics (formerly Invitae), Labcorp
Classification: Uncertain significance. Last evaluated: 2025-04-13. Review status: criteria provided, single submitter. Criteria: Invitae Variant Classification Sherloc (09022015). Collection method: clinical testing. Allele origin: germline.
Comment: This sequence change replaces proline, which is neutral and non-polar, with glutamine, which is neutral and polar, at codon 163 of the ZNF408 protein (p.Pro163Gln). This variant is not present in population databases (gnomAD no frequency). This variant has not been reported in the literature in individuals affected with ZNF408-related conditions. ClinVar contains an entry for this variant (Variation ID: 1519172). An algorithm developed to predict the effect of missense changes on protein structure and function (PolyPhen-2) suggests that this variant is likely to be disruptive. In summary, the available evidence is currently insufficient to determine the role of this variant in disease. Therefore, it has been classified as a Variant of Uncertain Significance.